The following is an entry in ClinVar:

NM_001042492.3(NF1):c.7538A>G (p.Gln2513Arg)

Gene: NF1 (neurofibromin 1; plus strand). Cytogenetic location: 17q11.2.
Variant type: single nucleotide variant.
Coding change: c.7538A>G on transcript NM_001042492.3 (MANE Select); coding-DNA position 7538, A replaced by G.
Protein change: p.Gln2513Arg; replaces glutamine 2513 with arginine.
Molecular consequence: missense variant.
Genome position (GRCh38, 1-based): chr17:31,352,337, A>G. VCF-style: chr17-31352337-A-G. GRCh37 (hg19) VCF-style: chr17-29679355-A-G.
Other names: c.7475A>G, p.Gln2492Arg (NM_000267.4); short protein forms Q2492R, Q2513R.
Identifiers: ClinVar variation 3404785 (VCV003404785.1).

ClinVar aggregate classification (germline): Uncertain significance (1 of 4 stars; one submission).

Conditions:
Hereditary cancer-predisposing syndrome. Also called: Hereditary Cancer Syndrome; Tumor predisposition; Hereditary neoplastic syndrome; Neoplastic Syndromes, Hereditary. Identifiers: Orphanet 140162, MedGen C0027672, MeSH D009386, MONDO:0015356.
Cardiovascular phenotype. Identifiers: MedGen CN230736.

Submission:

Ambry Genetics
Classification: Uncertain significance for Cardiovascular phenotype; Hereditary cancer-predisposing syndrome. Last evaluated: 2024-10-08. Review status: criteria provided, single submitter. Criteria: Ambry Variant Classification Scheme 2023. Collection method: clinical testing. Allele origin: germline.
Comment: The p.Q2492R variant (also known as c.7475A>G), located in coding exon 50 of the NF1 gene, results from an A to G substitution at nucleotide position 7475. The glutamine at codon 2492 is replaced by arginine, an amino acid with highly similar properties. This amino acid position is conserved. In addition, the in silico prediction for this alteration is inconclusive. Based on the available evidence, the clinical significance of this variant remains unclear.